The following is an entry in ClinVar:

NM_000169.3(GLA):c.985T>A (p.Tyr329Asn)

Genes: GLA (galactosidase alpha; minus strand), RPL36A-HNRNPH2 (RPL36A-HNRNPH2 readthrough; plus strand). Cytogenetic location: Xq22.1.
Variant type: single nucleotide variant.
Coding change: c.985T>A on transcript NM_000169.3 (MANE Select); coding-DNA position 985, T replaced by A.
Protein change: p.Tyr329Asn; replaces tyrosine 329 with asparagine.
Molecular consequence: missense variant. On other transcripts: non-coding transcript variant (3), intron variant (2).
Genome position (GRCh38, 1-based): chrX:101,398,384, A>T on the plus strand (T>A on the coding strand, the complement: GLA is on the minus strand). VCF-style: chrX-101398384-A-T. GRCh37 (hg19) VCF-style: chrX-100653372-A-T.
Other names: c.1108T>A, p.Tyr370Asn (NM_001406747.1); c.985T>A, p.Tyr329Asn (NM_001406748.1); c.300+2927A>T (NM_001199973.2); c.177+6562A>T (NM_001199974.2); short protein forms Y329N, Y370N.
Identifiers: ClinVar variation 4855230 (VCV004855230.1).

ClinVar aggregate classification (germline): Uncertain significance (1 of 4 stars; one submission).

Conditions:
Fabry disease. Also called: Fabry's disease; GLA DEFICIENCY; HEREDITARY DYSTOPIC LIPIDOSIS; Ceramide trihexosidosis; Angiokeratoma corporis diffusum; ALPHA-GALACTOSIDASE A DEFICIENCY. Identifiers: Orphanet 324, MedGen C0002986, MONDO:0010526, OMIM 301500, HP:0001071. Disease mechanism: Fabry disease is due to inactivating mutations in the X-linked GLA gene resulting in deficiency of the enzyme Alpha Galactosidase-A., loss of function.

Submission:

3billion
Classification: Uncertain significance for Fabry disease. Last evaluated: 2025-06-23. Review status: criteria provided, single submitter. Criteria: ACMG Guidelines, 2015. Collection method: clinical testing. Allele origin: germline. Affected: yes.
Comment: The variant is not observed in the gnomAD v4.1.0 dataset. Predicted Consequence/Location: Missense variant In silico tool predictions suggest damaging effect of the variant on gene or gene product [REVEL: 0.69 (>=0.6, sensitivity 0.68 and specificity 0.92)]. Therefore, this variant is classified as VUS according to the recommendation of ACMG/AMP guideline.